The following is an entry in ClinVar:

ClinVar aggregate classification (germline): Conflicting classifications of pathogenicity. Review status: criteria provided, conflicting classifications (1 of 4 stars). 2 submissions from 2 submitters: Likely pathogenic (1); Uncertain significance (1). Last evaluated 2021-01-27.

Conditions:
Schwartz-Jampel syndrome type 1 (SJS1). Also called: MYOTONIC MYOPATHY, DWARFISM, CHONDRODYSTROPHY, AND OCULAR AND FACIAL ABNORMALITIES; CHONDRODYSTROPHIC MYOTONIA. Identifiers: MedGen C4551479, MONDO:0100435, OMIM 255800.

Allele frequency attached by ClinVar (database versions not stated): gnomAD 0.00002 and 0.00003; gnomAD exomes 0.00002 and 0.00003; TOPMed 0.00002; ExAC 0.00004; 1000 Genomes Project 30x 0.00016; 1000 Genomes Project 0.00020.
gnomAD v4.1: 42 of 1,603,376 alleles (0.0026%); highest among the groups gnomAD compares: Non-Finnish European, 0.0031%; no homozygotes.

Submissions (2):

Labcorp Genetics (formerly Invitae), Labcorp
Classification: Uncertain significance. Last evaluated: 2021-01-27. Review status: criteria provided, single submitter. Criteria: Invitae Variant Classification Sherloc (09022015). Collection method: clinical testing. Allele origin: germline.
Comment: In summary, the available evidence is currently insufficient to determine the role of this variant in disease. Therefore, it has been classified as a Variant of Uncertain Significance. Algorithms developed to predict the effect of missense changes on protein structure and function are either unavailable or do not agree on the potential impact of this missense change (SIFT: "Tolerated"; PolyPhen-2: "Possibly Damaging"; Align-GVGD: "Class C0"). This variant has not been reported in the literature in individuals with HSPG2-related conditions. This variant is present in population databases (rs2229483, ExAC 0.007%). This sequence change replaces arginine with glutamine at codon 1758 of the HSPG2 protein (p.Arg1758Gln). The arginine residue is weakly conserved and there is a small physicochemical difference between arginine and glutamine.

Institute of Human Genetics, University Hospital of Duesseldorf
Classification: Likely pathogenic for Schwartz-Jampel syndrome type 1. Review status: criteria provided, single submitter. Criteria: ACMG Guidelines, 2015. Collection method: not provided. Allele origin: germline. Inheritance: Autosomal recessive inheritance. Affected: yes.

NM_005529.7(HSPG2):c.5273G>A (p.Arg1758Gln)

Gene: HSPG2 (heparan sulfate proteoglycan 2; minus strand). Cytogenetic location: 1p36.12.
Variant type: single nucleotide variant.
Coding change: c.5273G>A on transcript NM_005529.7 (MANE Select); coding-DNA position 5273, G replaced by A.
Protein change: p.Arg1758Gln; replaces arginine 1758 with glutamine.
Molecular consequence: missense variant.
Genome position (GRCh38, 1-based): chr1:21,859,586, C>T on the plus strand (G>A on the coding strand, the complement: HSPG2 is on the minus strand). VCF-style: chr1-21859586-C-T. GRCh37 (hg19) VCF-style: chr1-22186079-C-T.
Other names: c.5276G>A, p.Arg1759Gln (NM_001291860.2); short protein forms R1758Q, R1759Q.
Identifiers: ClinVar variation 1444590 (VCV001444590.5), dbSNP rs2229483, ClinGen allele CA671993.